The following is an entry in ClinVar:

ClinVar aggregate classification (germline): Uncertain significance (1 of 4 stars; one submission).

gnomAD v4.1: 1 of 1,605,332 alleles (0.000062%); highest among the groups gnomAD compares: Non-Finnish European, 0.000085%; no homozygotes.

Submission:

GeneDx
Classification: Uncertain significance. Last evaluated: 2024-07-24. Review status: criteria provided, single submitter. Criteria: GeneDx Variant Classification Process June 2021. Collection method: clinical testing. Allele origin: germline. Affected: yes.
Comment: Has not been previously published as pathogenic or benign to our knowledge; In silico analysis indicates that this missense variant does not alter protein structure/function; Occurs in the triple helical domain at the X position in the canonical Gly-X-Y repeat; although this variant may have an effect on normal protein folding and function, missense substitution at the X position is not a common mechanism of disease

NM_001845.6(COL4A1):c.4081C>T (p.Leu1361Phe)

Gene: COL4A1 (collagen type IV alpha 1 chain; minus strand). Cytogenetic location: 13q34.
Variant type: single nucleotide variant.
Coding change: c.4081C>T on transcript NM_001845.6 (MANE Select); coding-DNA position 4081, C replaced by T.
Protein change: p.Leu1361Phe; replaces leucine 1361 with phenylalanine.
Molecular consequence: missense variant.
Genome position (GRCh38, 1-based): chr13:110,164,931, G>A on the plus strand (C>T on the coding strand, the complement: COL4A1 is on the minus strand). VCF-style: chr13-110164931-G-A. GRCh37 (hg19) VCF-style: chr13-110817278-G-A.
Other names: short protein forms L1361F.
Identifiers: ClinVar variation 3600836 (VCV003600836.1).